The following is an entry in ClinVar:

NM_000059.4(BRCA2):c.8474del (p.Ala2825fs)

Gene: BRCA2 (BRCA2 DNA repair associated; plus strand). Cytogenetic location: 13q13.1.
Variant type: Deletion.
Coding change: c.8474del on transcript NM_000059.4 (MANE Select); coding-DNA position 8474, one base deleted (C; older notation c.8474delC).
Protein change: p.Ala2825fs; shifts the reading frame from alanine 2825.
Molecular consequence: frameshift variant.
Genome position (GRCh38, 1-based): chr13:32,370,544, C deleted. VCF-style (leftmost placement, unchanged base first): chr13-32370543-GC-G. GRCh37 (hg19) VCF-style: chr13-32944680-GC-G.
Other names: 8702delC; c.8474delC (NM_000059.3).
Identifiers: ClinVar variation 52597 (VCV000052597.20), dbSNP rs80359711, ClinGen allele CA025661.

ClinVar aggregate classification (germline): Pathogenic. Review status: reviewed by expert panel (3 of 4 stars). 7 submissions from 7 submitters: Pathogenic (1). 6 of the submissions do not count toward it. Last evaluated 2016-09-08.

Conditions:
Hereditary breast ovarian cancer syndrome. Also called: Hereditary breast and ovarian cancer syndrome; Hereditary breast and ovarian cancer; Hereditary breast and ovarian cancer syndrome (HBOC); Breast and ovarian cancer; Hereditary breast and/or ovarian cancer syndrome; BRCA1- and BRCA2-Associated Hereditary Breast and Ovarian Cancer. Identifiers: Orphanet 145, MedGen C0677776, MeSH D061325, MONDO:0003582. Disease mechanism: loss of function.
Hereditary cancer-predisposing syndrome. Also called: Neoplastic Syndromes, Hereditary; Tumor predisposition; Hereditary neoplastic syndrome; Hereditary Cancer Syndrome. Identifiers: Orphanet 140162, MedGen C0027672, MeSH D009386, MONDO:0015356.
Breast-ovarian cancer, familial, susceptibility to, 2 (BROVCA2). Also called: BRCA2 Hereditary Breast and Ovarian Cancer. Identifiers: Orphanet 145, MedGen C2675520, MONDO:0012933, OMIM 612555. Disease mechanism: loss of function.

Submissions (7):

Evidence-based Network for the Interpretation of Germline Mutant Alleles (ENIGMA)
Classification: Pathogenic for Breast-ovarian cancer, familial, susceptibility to, 2. Last evaluated: 2016-09-08. Review status: reviewed by expert panel. Criteria: ENIGMA BRCA1/2 Classification Criteria (2015). Collection method: curation. Allele origin: germline.
Comment: Variant allele predicted to encode a truncated non-functional protein.

Center for Genomic Medicine, Rigshospitalet, Copenhagen University Hospital
Classification: Pathogenic. Last evaluated: 2025-12-29. Review status: criteria provided, single submitter. Criteria: ACMG Guidelines, 2015. Collection method: clinical testing. Allele origin: germline. Not counted in ClinVar's aggregate classification.

Department of Clinical Genetics, Copenhagen University Hospital, Rigshospitalet
Classification: Pathogenic for Breast-ovarian cancer, familial, susceptibility to, 2. Last evaluated: 2024-05-27. Review status: criteria provided, single submitter. Criteria: ACMG Guidelines, 2015. Collection method: clinical testing. Allele origin: germline. Affected: yes. Not counted in ClinVar's aggregate classification.
Comment: PVS1; PM2_supporting; PM5_PTC_Strong

Labcorp Genetics (formerly Invitae), Labcorp
Classification: Pathogenic for Hereditary breast ovarian cancer syndrome. Last evaluated: 2020-05-11. Review status: criteria provided, single submitter. Criteria: Invitae Variant Classification Sherloc (09022015). Collection method: clinical testing. Allele origin: germline. Not counted in ClinVar's aggregate classification.
Comment: For these reasons, this variant has been classified as Pathogenic. Loss-of-function variants in BRCA2 are known to be pathogenic (PMID: 20104584). This variant has been observed in individual(s) with breast and/or ovarian cancer (PMID: 9150154, 26833046, 26360800). This variant is also known as c.8702delC in the literature. ClinVar contains an entry for this variant (Variation ID: 52597). This variant is not present in population databases (ExAC no frequency). This sequence change creates a premature translational stop signal (p.Ala2825Aspfs*38) in the BRCA2 gene. It is expected to result in an absent or disrupted protein product.

Consortium of Investigators of Modifiers of BRCA1/2 (CIMBA), c/o University of Cambridge
Classification: Pathogenic for Breast-ovarian cancer, familial, susceptibility to, 2. Last evaluated: 2015-10-02. Review status: criteria provided, single submitter. Criteria: CIMBA Mutation Classification guidelines May 2016. Collection method: clinical testing. Allele origin: germline. Not counted in ClinVar's aggregate classification.

Ambry Genetics
Classification: Pathogenic for Hereditary cancer-predisposing syndrome. Last evaluated: 2014-10-17. Review status: criteria provided, single submitter. Criteria: Ambry Variant Classification Scheme 2023. Collection method: clinical testing. Allele origin: germline. Not counted in ClinVar's aggregate classification.
Comment: The c.8474delC (also known as 8702delC) pathogenic mutation, located in coding exon 18 of the BRCA2 gene, results from a deletion of one nucleotide at nucleotide position 8474, causing a translational frameshift with a predicted alternate stop codon. This deletion has been reported in a Scandinavian breast cancer family (Hakansson S et al., AJHG 1997, (60):1068). Since frameshifts are typically deleterious in nature, this alteration is interpreted as a disease-causing mutation (ACMG Recommendations for Standards for Interpretation and Reporting of Sequence Variations. Revision 2007. Genet Med. 2008;10:294).

Breast Cancer Information Core (BIC) (BRCA2)
Classification: Pathogenic for Breast-ovarian cancer, familial 2. Last evaluated: 2002-05-29. Review status: no assertion criteria provided. Collection method: clinical testing. Allele origin: germline. Affected: yes. Observed: 1 variant allele. Not counted in ClinVar's aggregate classification.

Literature cited by the submitters: PubMed 9150154 (cited by Center for Genomic Medicine, Rigshospitalet, Copenhagen University Hospital and Labcorp Genetics (formerly Invitae), Labcorp); PubMed 26833046 (cited by Center for Genomic Medicine, Rigshospitalet, Copenhagen University Hospital and Labcorp Genetics (formerly Invitae), Labcorp); PubMed 20104584 (cited by Labcorp Genetics (formerly Invitae), Labcorp); PubMed 26360800 (cited by Labcorp Genetics (formerly Invitae), Labcorp).